The following is an entry in ClinVar:

NM_001609.4(ACADSB):c.1228+1G>A

Gene: ACADSB (acyl-CoA dehydrogenase short/branched chain; plus strand). Cytogenetic location: 10q26.13.
Variant type: single nucleotide variant.
Coding change: c.1228+1G>A on transcript NM_001609.4 (MANE Select); the canonical splice donor site of the intron after coding-DNA position 1228, G replaced by A.
Molecular consequence: splice donor variant.
Genome position (GRCh38, 1-based): chr10:123,053,161, G>A. VCF-style: chr10-123053161-G-A. GRCh37 (hg19) VCF-style: chr10-124812677-G-A.
Other names: c.922+1G>A (NM_001330174.3).
Identifiers: ClinVar variation 1032758 (VCV001032758.7), dbSNP rs943046481, ClinGen allele CA215172262.

ClinVar aggregate classification (germline): Likely pathogenic. Review status: criteria provided, multiple submitters, no conflicts (2 of 4 stars). 2 submissions from 2 submitters: Likely pathogenic (2). Last evaluated 2025-10-03.

Conditions:
Deficiency of 2-methylbutyryl-CoA dehydrogenase (ACADSB). Also called: 2-methylbutyrylglycinuria; 2-methylbutyryl-CoA dehydrogenase deficiency; SBCAD deficiency; 2-methylbutyric aciduria; Short branched-chain acyl-CoA dehydrogenase deficiency. Identifiers: Orphanet 79157, MedGen C1864912, MONDO:0012392, OMIM 610006, HP:0020147.

Allele frequency attached by ClinVar (database versions not stated): TOPMed below 0.00001.

Submissions (2):

Labcorp Genetics (formerly Invitae), Labcorp
Classification: Likely pathogenic for Deficiency of 2-methylbutyryl-CoA dehydrogenase. Last evaluated: 2025-10-03. Review status: criteria provided, single submitter. Criteria: Invitae Variant Classification Sherloc (09022015). Collection method: clinical testing. Allele origin: germline.
Comment: This sequence change affects a donor splice site in intron 10 of the ACADSB gene. While this variant is not anticipated to result in nonsense mediated decay, it likely alters RNA splicing and results in a disrupted protein product. This variant is not present in population databases (gnomAD no frequency). Disruption of this splice site has been observed in individual(s) with clinical features of deficiency of 2-methylbutyryl-CoA dehydrogenase (internal data). ClinVar contains an entry for this variant (Variation ID: 1032758). Variants that disrupt the consensus splice site are a relatively common cause of aberrant splicing (PMID: 17576681, 9536098). Algorithms developed to predict the effect of sequence changes on RNA splicing suggest that this variant may disrupt the consensus splice site. In summary, the currently available evidence indicates that the variant is pathogenic, but additional data are needed to prove that conclusively. Therefore, this variant has been classified as Likely Pathogenic.

Baylor Genetics
Classification: Likely pathogenic for Deficiency of 2-methylbutyryl-CoA dehydrogenase. Last evaluated: 2018-11-19. Review status: criteria provided, single submitter. Criteria: ACMG Guidelines, 2015. Collection method: clinical testing. Allele origin: unknown. Affected: yes.
Comment: This variant was determined to be likely pathogenic according to ACMG Guidelines, 2015 [PMID:25741868].

Literature cited by the submitters: PubMed 17576681 (cited by Labcorp Genetics (formerly Invitae), Labcorp); PubMed 9536098 (cited by Labcorp Genetics (formerly Invitae), Labcorp).